The following is an entry in ClinVar:

NM_000492.4(CFTR):c.54-1G>A

Gene: CFTR (CF transmembrane conductance regulator; plus strand). Cytogenetic location: 7q31.2.
Variant type: single nucleotide variant.
Coding change: c.54-1G>A on transcript NM_000492.4 (MANE Select); the canonical splice acceptor site of the intron before coding-DNA position 54, G replaced by A.
Molecular consequence: splice acceptor variant.
Genome position (GRCh38, 1-based): chr7:117,504,252, G>A. VCF-style: chr7-117504252-G-A. GRCh37 (hg19) VCF-style: chr7-117144306-G-A.
Identifiers: ClinVar variation 2680710 (VCV002680710.2), dbSNP rs2484968022, ClinGen allele CA368986778.

ClinVar aggregate classification (germline): Pathogenic/Likely pathogenic. Review status: criteria provided, multiple submitters, no conflicts (2 of 4 stars). 2 submissions from 2 submitters: Pathogenic (1); Likely pathogenic (1). Last evaluated 2024-07-15.

Conditions:
Cystic fibrosis (CF). Also called: MUCOVISCIDOSIS. Identifiers: Orphanet 586, MedGen C0010674, MONDO:0009061, OMIM 219700. Disease mechanism: loss of function.
Bronchiectasis with or without elevated sweat chloride 1 (BESC1). Also called: Cystic Fibrosis-Like Syndrome. Identifiers: Orphanet 60033, MedGen C2749757, MONDO:0008887, OMIM 211400.

Allele frequency attached by ClinVar (database versions not stated): gnomAD exomes below 0.00001.
gnomAD v4.1: 2 of 1,575,298 alleles (0.00013%); highest among the groups gnomAD compares: Non-Finnish European, 0.00017%; no homozygotes.

Submissions (2):

Women's Health and Genetics/Laboratory Corporation of America, LabCorp
Classification: Likely pathogenic for Cystic fibrosis. Last evaluated: 2024-07-15. Review status: criteria provided, single submitter. Criteria: LabCorp Variant Classification Summary - May 2015. Collection method: clinical testing. Allele origin: germline.
Comment: Variant summary: CFTR c.54-1G>A is located in a canonical splice-site and is predicted to affect mRNA splicing resulting in a significantly altered protein due to either exon skipping, shortening, or inclusion of intronic material. Several computational tools predict a significant impact on normal splicing: Four predict the variant abolishes the canonical 3' acceptor site and three predict the variant also creates a new 3' acceptor site. However, these predictions have yet to be confirmed by functional studies. The variant allele was found at a frequency of 1.3e-06 in 1575298 control chromosomes. To our knowledge, no occurrence of c.54-1G>A in individuals affected with Cystic Fibrosis and no experimental evidence demonstrating its impact on protein function have been reported in the literature. ClinVar contains an entry for this variant (Variation ID: 2680710). Based on the evidence outlined above, the variant was classified as likely pathogenic.

Baylor Genetics
Classification: Pathogenic for Bronchiectasis with or without elevated sweat chloride 1. Last evaluated: 2023-03-08. Review status: criteria provided, single submitter. Criteria: ACMG Guidelines, 2015. Collection method: clinical testing. Allele origin: unknown.